The following is an entry in ClinVar:

ClinVar aggregate classification (germline): Benign (3 of 4 stars; one submission).

Conditions:
Breast-ovarian cancer, familial, susceptibility to, 2 (BROVCA2). Also called: BRCA2 Hereditary Breast and Ovarian Cancer. Identifiers: Orphanet 145, MedGen C2675520, MONDO:0012933, OMIM 612555. Disease mechanism: loss of function.

Allele frequency attached by ClinVar (database versions not stated): gnomAD 0.00003; TOPMed 0.00005; 1000 Genomes Project 30x 0.00016; 1000 Genomes Project 0.00020.
gnomAD v4.1: 4 of 152,294 alleles (0.0026%); highest among the groups gnomAD compares: Admixed American, 0.013%; no homozygotes.

Submission:

Evidence-based Network for the Interpretation of Germline Mutant Alleles (ENIGMA)
Classification: Benign for Breast-ovarian cancer, familial 2. Last evaluated: 2015-01-12. Review status: reviewed by expert panel. Criteria: ENIGMA BRCA1/2 Classification Criteria (2015). Collection method: curation. Allele origin: germline.
Comment: Class 1 not pathogenic based on frequency >1% in an outbred sampleset. Frequency 0.02642 (African), derived from 1000 genomes (2012-04-30).

NM_000059.4(BRCA2):c.7007+905A>G

Gene: BRCA2 (BRCA2 DNA repair associated; plus strand). Cytogenetic location: 13q13.1.
Variant type: single nucleotide variant.
Coding change: c.7007+905A>G on transcript NM_000059.4 (MANE Select); 905 bases into the intron after coding-DNA position 7007, A replaced by G.
Molecular consequence: intron variant.
Genome position (GRCh38, 1-based): chr13:32,347,801, A>G. VCF-style: chr13-32347801-A-G. GRCh37 (hg19) VCF-style: chr13-32921938-A-G.
Other names: IVS 13+905A>G.
Identifiers: ClinVar variation 209722 (VCV000209722.1), dbSNP rs146634222, ClinGen allele CA276690.